The following is an entry in ClinVar:

ClinVar aggregate classification (germline): Likely pathogenic (1 of 4 stars; one submission).

Conditions:
Hereditary cancer-predisposing syndrome. Also called: Neoplastic Syndromes, Hereditary; Tumor predisposition; Hereditary neoplastic syndrome; Hereditary Cancer Syndrome. Identifiers: Orphanet 140162, MedGen C0027672, MeSH D009386, MONDO:0015356.

Submission:

Ambry Genetics
Classification: Likely pathogenic for Hereditary cancer-predisposing syndrome. Last evaluated: 2023-10-13. Review status: criteria provided, single submitter. Criteria: Ambry Variant Classification Scheme 2023. Collection method: clinical testing. Allele origin: germline.
Comment: The c.1702_1761+3del63 variant results from a deletion of 63 nucleotides between positions c.1702 and c.1761+3 and involves the canonical splice donor site after coding exon 9 of the SMARCA4 gene. This variant is considered to be rare based on population cohorts in the Genome Aggregation Database (gnomAD). The canonical splice donor site is highly conserved in available vertebrate species. In silico splice site analysis predicts that this alteration will weaken the native splice donor site and will result in the creation or strengthening of a novel splice donor site. RNA studies have demonstrated that this alteration results in abnormal splicing in the set of samples tested (Ambry internal data). Loss-of-function variants in SMARCA4 are known to cause rhabdoid tumor predisposition syndrome including small cell carcinoma of the ovary-hypercalcemic type (SCCOHT); however, such associations with neurodevelopmental disorders are exceedingly rare (Kosho T et al. Am J Med Genet C Semin Med Genet. 2014 Sep;166C(3):262-75; Jelinic P et al. Nat Genet. 2014 May;46(5):424-6). Alterations that disrupt the canonical splice site are expected to cause aberrant splicing, resulting in an abnormal protein or a transcript that is subject to nonsense-mediated mRNA decay. Based on the supporting evidence, this alteration is likely pathogenic for rhabdoid tumor predisposition syndrome; however, the association of this alteration with rhabdoid tumor Coffin-Siris syndrome is unknown.

NM_003072.5(SMARCA4):c.1702_1761+3del

Gene: SMARCA4 (SWI/SNF related BAF chromatin remodeling complex subunit ATPase 4; plus strand). Cytogenetic location: 19p13.2.
Variant type: Deletion.
Coding change: c.1702_1761+3del on transcript NM_003072.5 (MANE Select); coding-DNA position 1702 through 3 bases into the intron after coding-DNA position 1761, 63 bases deleted.
Molecular consequence: splice donor variant.
Genome position (GRCh38, 1-based): chr19:10,996,321-10,996,383, 63 bases deleted. GRCh37 (hg19): chr19:11,106,997-11,107,059.
Other names: c.1702_1761+3del (NM_001128844.3, NM_001128849.3, NM_001128847.4 and 6 more transcripts).
Identifiers: ClinVar variation 3233074 (VCV003233074.1), dbSNP rs2514299000, ClinGen allele CA2825002737.